The following is an entry in ClinVar:

NM_006000.3(TUBA4A):c.34G>A (p.Ala12Thr)

Gene: TUBA4A (tubulin alpha 4a; minus strand). Cytogenetic location: 2q35.
Variant type: single nucleotide variant.
Coding change: c.34G>A on transcript NM_006000.3 (MANE Select); coding-DNA position 34, G replaced by A.
Protein change: p.Ala12Thr; replaces alanine 12 with threonine.
Molecular consequence: missense variant. On other transcripts: 5 prime UTR variant (1).
Genome position (GRCh38, 1-based): chr2:219,252,200, C>T on the plus strand (G>A on the coding strand, the complement: TUBA4A is on the minus strand). VCF-style: chr2-219252200-C-T. GRCh37 (hg19) VCF-style: chr2-220116922-C-T.
Other names: c.-12G>A (NM_001278552.2); short protein forms A12T.
Identifiers: ClinVar variation 4857670 (VCV004857670.1).

ClinVar aggregate classification (germline): Uncertain significance (1 of 4 stars; one submission).

Conditions:
Myo-tubulinopathy.

Submission:

Harry Perkins Institute Of Medical Research, University Of Western Australia
Classification: Uncertain significance for Myo-tubulinopathy. Review status: criteria provided, single submitter. Criteria: ACMG Guidelines, 2015. Collection method: research. Allele origin: germline. Inheritance: Autosomal recessive inheritance. Affected: yes. Observed: 1 variant allele.
Comment: PP3_Moderate, PM2_Supporting, PP2_Supporting

Literature cited by the submitters: PubMed 40666348.